The following is an entry in ClinVar:

NM_007194.4(CHEK2):c.601T>G (p.Phe201Val)

Gene: CHEK2 (checkpoint kinase 2; minus strand). Cytogenetic location: 22q12.1.
Variant type: single nucleotide variant.
Coding change: c.601T>G on transcript NM_007194.4 (MANE Select); coding-DNA position 601, T replaced by G.
Protein change: p.Phe201Val; replaces phenylalanine 201 with valine.
Molecular consequence: missense variant. On other transcripts: 5 prime UTR variant (2), intron variant (1).
Genome position (GRCh38, 1-based): chr22:28,719,477, A>C on the plus strand (T>G on the coding strand, the complement: CHEK2 is on the minus strand). VCF-style: chr22-28719477-A-C. GRCh37 (hg19) VCF-style: chr22-29115465-A-C.
Other names: c.730T>G, p.Phe244Val (NM_001005735.3, NM_001438294.1); c.-63T>G (NM_001257387.3, NM_001437942.1); c.694T>G, p.Phe232Val (NM_001438293.1, NM_001438295.1); c.601T>G, p.Phe201Val (NM_145862.3); c.482+5409T>G (NM_001349956.3); short protein forms F201V, F244V, F232V.
Identifiers: ClinVar variation 185740 (VCV000185740.9), dbSNP rs786202416, ClinGen allele CA192800.

ClinVar aggregate classification (germline): Uncertain significance. Review status: criteria provided, multiple submitters, no conflicts (2 of 4 stars). 3 submissions from 3 submitters: Uncertain significance (3). Last evaluated 2024-05-18.

Conditions:
Hereditary cancer-predisposing syndrome. Also called: Hereditary neoplastic syndrome; Neoplastic Syndromes, Hereditary; Tumor predisposition; Hereditary Cancer Syndrome. Identifiers: Orphanet 140162, MedGen C0027672, MeSH D009386, MONDO:0015356.
Familial cancer of breast. Also called: BREAST CANCER, FAMILIAL; Hereditary breast cancer; hereditary breast carcinoma. Identifiers: Orphanet 227535, MedGen C0346153, MONDO:0016419, OMIM 114480. Disease mechanism: loss of function.

Submissions (3):

Labcorp Genetics (formerly Invitae), Labcorp
Classification: Uncertain significance for Familial cancer of breast. Last evaluated: 2024-05-18. Review status: criteria provided, single submitter. Criteria: Invitae Variant Classification Sherloc (09022015). Collection method: clinical testing. Allele origin: germline.
Comment: This sequence change replaces phenylalanine, which is neutral and non-polar, with valine, which is neutral and non-polar, at codon 201 of the CHEK2 protein (p.Phe201Val). This variant is not present in population databases (gnomAD no frequency). This variant has not been reported in the literature in individuals affected with CHEK2-related conditions. ClinVar contains an entry for this variant (Variation ID: 185740). An algorithm developed to predict the effect of missense changes on protein structure and function (PolyPhen-2) suggests that this variant is likely to be disruptive. In summary, the available evidence is currently insufficient to determine the role of this variant in disease. Therefore, it has been classified as a Variant of Uncertain Significance.

Women's Health and Genetics/Laboratory Corporation of America, LabCorp
Classification: Uncertain significance. Last evaluated: 2021-05-24. Review status: criteria provided, single submitter. Criteria: LabCorp Variant Classification Summary - May 2015. Collection method: clinical testing. Allele origin: germline.
Comment: Variant summary: CHEK2 c.601T>G (p.Phe201Val) results in a non-conservative amino acid change in the encoded protein sequence. Five of five in-silico tools predict a damaging effect of the variant on protein function. The variant was absent in 217742 control chromosomes. The available data on variant occurrences in the general population are insufficient to allow any conclusion about variant significance. To our knowledge, no occurrence of c.601T>G in individuals affected with Hereditary Breast And Ovarian Cancer Syndrome and no experimental evidence demonstrating its impact on protein function have been reported. No clinical diagnostic laboratories have submitted clinical-significance assessments for this variant to ClinVar after 2014. Based on the evidence outlined above, the variant was classified as uncertain significance.

Ambry Genetics
Classification: Uncertain significance for Hereditary cancer-predisposing syndrome. Last evaluated: 2021-04-08. Review status: criteria provided, single submitter. Criteria: Ambry Variant Classification Scheme 2023. Collection method: clinical testing. Allele origin: germline.
Comment: The p.F201V variant (also known as c.601T>G), located in coding exon 4 of the CHEK2 gene, results from a T to G substitution at nucleotide position 601. The phenylalanine at codon 201 is replaced by valine, an amino acid with highly similar properties. This amino acid position is highly conserved in available vertebrate species. In addition, this alteration is predicted to be deleterious by in silico analysis. Since supporting evidence is limited at this time, the clinical significance of this alteration remains unclear.